The following is an entry in ClinVar:

NM_001372044.2(SHANK3):c.3388del (p.Glu1130fs)

Gene: SHANK3 (SH3 and multiple ankyrin repeat domains 3; plus strand). Cytogenetic location: 22q13.33.
Variant type: Deletion.
Coding change: c.3388del on transcript NM_001372044.2 (MANE Select); coding-DNA position 3388, one base deleted (G; older notation c.3388delG).
Protein change: p.Glu1130fs; shifts the reading frame from glutamic acid 1130.
Molecular consequence: frameshift variant.
Genome position (GRCh38, 1-based): chr22:50,720,996, G deleted. VCF-style (leftmost placement, unchanged base first): chr22-50720995-CG-C. GRCh37 (hg19) VCF-style: chr22-51159423-CG-C.
Other names: short protein forms E1130fs.
Identifiers: ClinVar variation 1684578 (VCV001684578.1), dbSNP rs2146830613, ClinGen allele CA2573158312.

ClinVar aggregate classification (germline): Pathogenic (1 of 4 stars; one submission).

Conditions:
Phelan-McDermid syndrome. Also called: TELOMERIC 22q13 MONOSOMY SYNDROME; 22q13.3 deletion syndrome; Phelan-McDermid Syndrome-SHANK3 Related. Identifiers: Orphanet 48652, MedGen C1853490, MONDO:0011652, OMIM 606232.

Submission:

HudsonAlpha Institute for Biotechnology
Classification: Pathogenic for Phelan-McDermid syndrome. Last evaluated: 2022-04-13. Review status: criteria provided, single submitter. Criteria: ACMG Guidelines, 2015. Collection method: research. Allele origin: de novo. Affected: yes. Observed: 1 variant allele. Study: CSER-HudsonAlpha.
Comment: ACMG codes: PVS1, PS2, PM2